The following is an entry in ClinVar:

NM_001009931.3(HRNR):c.900G>A (p.Gly300=)

Genes: CCDST (cervical cancer associated DHX9 suppressive transcript; plus strand), HRNR (hornerin; minus strand). Cytogenetic location: 1q21.3.
Variant type: single nucleotide variant.
Coding change: c.900G>A on transcript NM_001009931.3 (MANE Select); coding-DNA position 900, G replaced by A.
Protein change: p.Gly300=; no amino-acid change (glycine 300 retained).
Molecular consequence: synonymous variant.
Genome position (GRCh38, 1-based): chr1:152,220,729, C>T on the plus strand (G>A on the coding strand, the complement: HRNR is on the minus strand). VCF-style: chr1-152220729-C-T. GRCh37 (hg19) VCF-style: chr1-152193205-C-T.
Identifiers: ClinVar variation 2639216 (VCV002639216.24), dbSNP rs151029388, ClinGen allele CA1102362.

ClinVar aggregate classification (germline): Likely benign (1 of 4 stars; one submission).

Allele frequency attached by ClinVar (database versions not stated): ESP Exome Variant Server 0.00008.
gnomAD v4.1: 108 of 1,613,478 alleles (0.0067%); highest among the groups gnomAD compares: Middle Eastern, 0.082%; 1 homozygote.

Submission:

CeGaT Center for Human Genetics Tuebingen
Classification: Likely benign. Last evaluated: 2022-06-01. Review status: criteria provided, single submitter. Criteria: CeGaT Center For Human Genetics Tuebingen Variant Classification Criteria Version 2. Collection method: clinical testing. Allele origin: germline. Affected: yes. Observed: 1 variant allele.
Comment: HRNR: BP4, BP7